The following is an entry in ClinVar:

ClinVar aggregate classification (germline): Likely benign (1 of 4 stars; one submission).

gnomAD v4.1: 12,465 of 1,598,482 alleles (0.78%); highest among the groups gnomAD compares: Non-Finnish European, 0.92%; 81 homozygotes.

Submission:

CeGaT Center for Human Genetics Tuebingen
Classification: Likely benign. Last evaluated: 2025-06-01. Review status: criteria provided, single submitter. Criteria: CeGaT Center For Human Genetics Tuebingen Variant Classification Criteria Version 2. Collection method: clinical testing. Allele origin: germline. Affected: yes. Observed: 1 variant allele.
Comment: GARIN5A: BP4, BS2

NM_001308429.2(GARIN5A):c.397C>T (p.Leu133Phe)

Gene: GARIN5A (golgi associated RAB2 interactor 5A; minus strand). Cytogenetic location: 19q13.33.
Variant type: single nucleotide variant.
Coding change: c.397C>T on transcript NM_001308429.2 (MANE Select); coding-DNA position 397, C replaced by T.
Protein change: p.Leu133Phe; replaces leucine 133 with phenylalanine.
Molecular consequence: missense variant. On other transcripts: intron variant (1).
Genome position (GRCh38, 1-based): chr19:50,475,467, G>A on the plus strand (C>T on the coding strand, the complement: GARIN5A is on the minus strand). VCF-style: chr19-50475467-G-A. GRCh37 (hg19) VCF-style: chr19-50978724-G-A.
Other names: c.361-12C>T (NM_138411.3); short protein forms L133F.
Identifiers: ClinVar variation 3904848 (VCV003904848.10).